The following is an entry in ClinVar:

ClinVar aggregate classification (germline): Uncertain significance (1 of 4 stars; one submission).

Conditions:
Congenital disorder of glycosylation type Ir (CDG1R). Also called: DDOST-congenital disorder of glycosylation. Identifiers: Orphanet 300536, MedGen C3281084, MONDO:0013789, OMIM 614507.

Submissions (2):

Labcorp Genetics (formerly Invitae), Labcorp
Classification: Uncertain significance for Congenital disorder of glycosylation type Ir. Last evaluated: 2025-07-23. Review status: criteria provided, single submitter. Criteria: Invitae Variant Classification Sherloc (09022015). Collection method: clinical testing. Allele origin: germline.
Comment: This sequence change affects a donor splice site in intron 3 of the DDOST gene. It is expected to disrupt RNA splicing. Variants that disrupt the donor or acceptor splice site typically lead to a loss of protein function (PMID: 16199547), however the current clinical and genetic evidence is not sufficient to establish whether loss-of-function variants in DDOST cause disease. This variant is not present in population databases (gnomAD no frequency). This variant has not been reported in the literature in individuals affected with DDOST-related conditions. ClinVar contains an entry for this variant (Variation ID: 2005251). Algorithms developed to predict the effect of sequence changes on RNA splicing suggest that this variant may disrupt the consensus splice site. In summary, the available evidence is currently insufficient to determine the role of this variant in disease. Therefore, it has been classified as a Variant of Uncertain Significance.

Dr. Peter K. Rogan Lab, Western University
No classification provided (evidence only). Condition: Thyroid cancer, nonmedullary, 1. Review status: no classification provided. Collection method: in vitro. Allele origin: not applicable. Functional consequence: skipped exon. Not counted in ClinVar's aggregate classification.

Literature cited by the submitters: PubMed 16199547 (cited by Labcorp Genetics (formerly Invitae), Labcorp).

NM_005216.5(DDOST):c.352+2T>C

Gene: DDOST (dolichyl-diphosphooligosaccharide--protein glycosyltransferase non-catalytic subunit; minus strand). Cytogenetic location: 1p36.12.
Variant type: single nucleotide variant.
Coding change: c.352+2T>C on transcript NM_005216.5 (MANE Select); the canonical splice donor site of the intron after coding-DNA position 352, T replaced by C.
Molecular consequence: splice donor variant.
Genome position (GRCh38, 1-based): chr1:20,656,099, A>G on the plus strand (T>C on the coding strand, the complement: DDOST is on the minus strand). VCF-style: chr1-20656099-A-G. GRCh37 (hg19) VCF-style: chr1-20982592-A-G.
Identifiers: ClinVar variation 2005251 (VCV002005251.5), dbSNP rs2545278164, ClinGen allele CA338853107.